The following is an entry in ClinVar:

ClinVar aggregate classification (germline): Uncertain significance (1 of 4 stars; one submission).

Conditions:
Congenital contractural arachnodactyly (CCA). Also called: Beals-Hecht syndrome; BEALS SYNDROME; Arthrogryposis, distal, type 9. Identifiers: Orphanet 115, MedGen C0220668, MONDO:0007363, OMIM 121050.

Submission:

Labcorp Genetics (formerly Invitae), Labcorp
Classification: Uncertain significance for Congenital contractural arachnodactyly. Last evaluated: 2022-08-16. Review status: criteria provided, single submitter. Criteria: Invitae Variant Classification Sherloc (09022015). Collection method: clinical testing. Allele origin: germline.
Comment: Advanced modeling of protein sequence and biophysical properties (such as structural, functional, and spatial information, amino acid conservation, physicochemical variation, residue mobility, and thermodynamic stability) performed at Invitae indicates that this missense variant is not expected to disrupt FBN2 protein function. In summary, the available evidence is currently insufficient to determine the role of this variant in disease. Therefore, it has been classified as a Variant of Uncertain Significance. ClinVar contains an entry for this variant (Variation ID: 935456). This variant has not been reported in the literature in individuals affected with FBN2-related conditions. This variant is not present in population databases (gnomAD no frequency). This sequence change replaces alanine, which is neutral and non-polar, with valine, which is neutral and non-polar, at codon 940 of the FBN2 protein (p.Ala940Val).

NM_001999.4(FBN2):c.2819C>T (p.Ala940Val)

Gene: FBN2 (fibrillin 2; minus strand). Cytogenetic location: 5q23.3.
Variant type: single nucleotide variant.
Coding change: c.2819C>T on transcript NM_001999.4 (MANE Select); coding-DNA position 2819, C replaced by T.
Protein change: p.Ala940Val; replaces alanine 940 with valine.
Molecular consequence: missense variant.
Genome position (GRCh38, 1-based): chr5:128,349,999, G>A on the plus strand (C>T on the coding strand, the complement: FBN2 is on the minus strand). VCF-style: chr5-128349999-G-A. GRCh37 (hg19) VCF-style: chr5-127685691-G-A.
Other names: short protein forms A940V.
Identifiers: ClinVar variation 935456 (VCV000935456.10), dbSNP rs1751304507, ClinGen allele CA360766030.